The following is an entry in ClinVar:

NM_001130987.2(DYSF):c.2797A>T (p.Lys933Ter)

Gene: DYSF (dysferlin; plus strand). Cytogenetic location: 2p13.2.
Variant type: single nucleotide variant.
Coding change: c.2797A>T on transcript NM_001130987.2 (MANE Select); coding-DNA position 2797, A replaced by T.
Protein change: p.Lys933Ter; replaces lysine 933 with a stop codon.
Molecular consequence: nonsense.
Genome position (GRCh38, 1-based): chr2:71,568,271, A>T. VCF-style: chr2-71568271-A-T. GRCh37 (hg19) VCF-style: chr2-71795401-A-T.
Other names: c.2746A>T, p.Lys916Ter (NM_001130455.2, NM_001130983.2); c.2701A>T, p.Lys901Ter (NM_001130976.2, NM_001130977.2); c.2743A>T, p.Lys915Ter (NM_001130978.2, NM_003494.4); c.2836A>T, p.Lys946Ter (NM_001130979.2); c.2794A>T, p.Lys932Ter (NM_001130980.2, NM_001130981.2); c.2839A>T, p.Lys947Ter (NM_001130982.2); c.2704A>T, p.Lys902Ter (NM_001130984.2, NM_001130986.2); c.2797A>T, p.Lys933Ter (NM_001130985.2); short protein forms K901*, K902*, K915*, K916*, K932*, K933*, K946*, K947*.
Identifiers: ClinVar variation 4815137 (VCV004815137.1).

ClinVar aggregate classification (germline): Likely pathogenic (1 of 4 stars; one submission).

Conditions:
Autosomal recessive limb-girdle muscular dystrophy type 2B (LGMDR2). Also called: MUSCULAR DYSTROPHY, LIMB-GIRDLE, TYPE 3; MUSCULAR DYSTROPHY, LIMB-GIRDLE, AUTOSOMAL RECESSIVE 2; Limb-Girdle Muscular Dystrophy Type 2B (LGMD2B); Limb-girdle muscular dystrophy, type 2B. Identifiers: Orphanet 268, MedGen C1850889, MONDO:0009676, OMIM 253601.

Submission:

Natera, Inc.
Classification: Likely pathogenic for Limb-girdle muscular dystrophy type 2B. Last evaluated: 2024-05-17. Review status: criteria provided, single submitter. Criteria: Natera Variant Classification Schema (03/2026). Collection method: clinical testing. Allele origin: germline.
Comment: The c.2743A>T variant in DYSF is a nonsense variant predicted to introduce a stop codon at amino acid 915. This variant is expected to result in nonsense mediated decay, truncation, or a dysfunctional protein product. This variant is rare in the general population with a frequency below the threshold expected for the associated phenotype(s). Given the available evidence, this variant is classified as Likely Pathogenic.